The following is an entry in ClinVar:

NM_001267550.2(TTN):c.28667C>T (p.Ala9556Val)

Gene: TTN (titin; minus strand). Cytogenetic location: 2q31.2.
Variant type: single nucleotide variant.
Coding change: c.28667C>T on transcript NM_001267550.2 (MANE Select); coding-DNA position 28667, C replaced by T.
Protein change: p.Ala9556Val; replaces alanine 9556 with valine.
Molecular consequence: missense variant. On other transcripts: intron variant (3).
Genome position (GRCh38, 1-based): chr2:178,709,652, G>A on the plus strand (C>T on the coding strand, the complement: TTN is on the minus strand). VCF-style: chr2-178709652-G-A. GRCh37 (hg19) VCF-style: chr2-179574379-G-A.
Other names: c.27716C>T, p.Ala9239Val (NM_001256850.1); c.24935C>T, p.Ala8312Val (NM_133378.4); c.13282+28430C>T (NM_003319.4); c.13858+28430C>T (NM_133437.4); c.13657+28430C>T (NM_133432.3); short protein forms A9556V, A9239V, A8312V.
Identifiers: ClinVar variation 404888 (VCV000404888.7), dbSNP rs1060500482, ClinGen allele CA16610454.

ClinVar aggregate classification (germline): Uncertain significance. Review status: criteria provided, multiple submitters, no conflicts (2 of 4 stars). 4 submissions from 4 submitters: Uncertain significance (4). Last evaluated 2025-06-17.

Conditions:
TTN-related disorder. Also called: TTN-related disorders; TTN-related condition; TTN-related disease.
Autosomal recessive limb-girdle muscular dystrophy type 2J (LGMDR10). Also called: Limb-girdle muscular dystrophy, type 2J; MUSCULAR DYSTROPHY, LIMB-GIRDLE, AUTOSOMAL RECESSIVE 10. Identifiers: Orphanet 140922, MedGen C1837342, MONDO:0012127, OMIM 608807.
Dilated cardiomyopathy 1G (CMD1G). Identifiers: Orphanet 154, MedGen C1858763, MONDO:0011400, OMIM 604145.
Cardiomyopathy (CMYO). Also called: Cardiomyopathies. Identifiers: Orphanet 167848, MedGen C0878544, MONDO:0004994, HP:0001638. Inheritance: Various modes of inheritance.

Allele frequency attached by ClinVar (database versions not stated): TOPMed below 0.00001.
gnomAD v4.1: 8 of 1,613,888 alleles (0.0005%); highest among the groups gnomAD compares: South Asian, 0.0011%; no homozygotes.

Submissions (4):

PreventionGenetics, part of Exact Sciences
Classification: Uncertain significance for TTN-related condition. Last evaluated: 2025-06-17. Review status: criteria provided, single submitter. Criteria: ACMG Guidelines, 2015. Collection method: clinical testing. Allele origin: germline.
Comment: The TTN c.28667C>T variant is predicted to result in the amino acid substitution p.Ala9556Val. To our knowledge, this variant has not been reported in the literature. This variant is reported in 0.0033% of alleles in individuals of South Asian descent in gnomAD. At this time, the clinical significance of this variant is uncertain due to the absence of conclusive functional and genetic evidence.

CHEO Genetics Diagnostic Laboratory, Children's Hospital of Eastern Ontario
Classification: Uncertain significance for Cardiomyopathy. Last evaluated: 2018-10-01. Review status: criteria provided, single submitter. Criteria: ACMG Guidelines, 2015. Collection method: clinical testing. Allele origin: germline.

GeneDx
Classification: Uncertain significance. Last evaluated: 2018-05-25. Review status: criteria provided, single submitter. Criteria: GeneDx Variant Classification (06012015). Collection method: clinical testing. Allele origin: germline. Affected: yes.
Comment: The A8312V variant in the TTN gene has not been reported previously as a pathogenic variant, nor as a benign variant, to our knowledge. The A8312V variant is not observed in large population cohorts (Lek et al., 2016; 1000 Genomes Consortium et al., 2015; Exome Variant Server). The A8312V variant is a conservative amino acid substitution, which is not likely to impact secondary protein structure as these residues share similar properties. This substitution occurs at a position that is conserved in mammals, and in silico analysis is inconsistent in its predictions as to whether or not the variant is damaging to the protein structure/function. We interpret A8312V as a variant of uncertain significance.

Labcorp Genetics (formerly Invitae), Labcorp
Classification: Uncertain significance for Dilated cardiomyopathy 1G; Autosomal recessive limb-girdle muscular dystrophy type 2J. Last evaluated: 2016-10-26. Review status: criteria provided, single submitter. Criteria: Invitae Variant Classification Sherloc (09022015). Collection method: clinical testing. Allele origin: germline.